The following is an entry in ClinVar:

ClinVar aggregate classification (germline): Uncertain significance. Review status: reviewed by expert panel (3 of 4 stars). 4 submissions from 4 submitters: Uncertain significance (1). 3 of the submissions do not count toward it. Last evaluated 2025-05-02.

Conditions:
Acute myeloid leukemia (AML). Also called: Acute myeloid leukemia, adult; AML adult; Acute non-lymphocytic leukemia; Acute granulocytic leukemia; Leukemia, acute myelogenous, somatic; Leukemia, acute myeloid, somatic. Identifiers: Orphanet 519, MedGen C0023467, MeSH D015470, MONDO:0018874, OMIM 601626, HP:0004808. Disease mechanism: Constitutively activated FLT3.
Hereditary thrombocytopenia and hematologic cancer predisposition syndrome. Identifiers: Orphanet 71290, MedGen CN281654, MONDO:0011071.
Inborn genetic diseases. Identifiers: MedGen C0950123, MeSH D030342.
Hereditary thrombocytopenia and hematological cancer predisposition syndrome associated with RUNX1. Also called: Familial Platelet Disorder with Propensity to Acute Myelogenous Leukemia; Familial thrombocytopenia with propensity to acute myelogenous leukemia; PLATELET DISORDER, ASPIRIN-LIKE; RUNX1 Familial Platelet Disorder with Associated Myeloid Malignancies. Identifiers: Orphanet 71290, MedGen C1832388, MeSH C563324, MONDO:0100083, OMIM 601399.

Allele frequency attached by ClinVar (database versions not stated): gnomAD 0.00001; gnomAD exomes 0.00001; TOPMed 0.00001.
gnomAD v4.1: 17 of 1,545,824 alleles (0.0011%); highest among the groups gnomAD compares: Non-Finnish European, 0.0014%; no homozygotes.

Submissions (4):

ClinGen Myeloid Malignancy Variant Curation Expert Panel
Classification: Uncertain significance for Hereditary thrombocytopenia and hematologic cancer predisposition syndrome. Last evaluated: 2025-05-02. Review status: reviewed by expert panel. Criteria: ClinGen MyeloMalig ACMG Specifications v2. Collection method: curation. Allele origin: germline. Inheritance: Autosomal dominant inheritance.
Comment: NM_001754.5(RUNX1):c.1229C>T (p.Ser410Leu) is a missense variant which has a REVEL score < 0.50 (0.339) and a SpliceAI score ≤ 0.20 (0.00) (BP4). This variant has been reported in one proband meeting at least one of the RUNX1-phenotypic criteria (PS4_Supporting; PMID: 34166225). In summary, the clinical significance of this variant is uncertain. ACMG/AMP criteria applied, as specified by the Myeloid Malignancy Variant Curation Expert Panel for RUNX1: PS4_Supporting, BP4.

Labcorp Genetics (formerly Invitae), Labcorp
Classification: Uncertain significance for Hereditary thrombocytopenia and hematological cancer predisposition syndrome associated with RUNX1. Last evaluated: 2025-08-12. Review status: criteria provided, single submitter. Criteria: Invitae Variant Classification Sherloc (09022015). Collection method: clinical testing. Allele origin: germline. Not counted in ClinVar's aggregate classification.
Comment: This sequence change replaces serine, which is neutral and polar, with leucine, which is neutral and non-polar, at codon 410 of the RUNX1 protein (p.Ser410Leu). This variant is present in population databases (no rsID available, gnomAD 0.002%). This missense change has been observed in individual(s) with acute lymphoblastic leukemia (PMID: 34166225). ClinVar contains an entry for this variant (Variation ID: 961001). Invitae Evidence Modeling of protein sequence and biophysical properties (such as structural, functional, and spatial information, amino acid conservation, physicochemical variation, residue mobility, and thermodynamic stability) has been performed for this missense variant. However, the output from this modeling did not meet the statistical confidence thresholds required to predict the impact of this variant on RUNX1 protein function. In summary, the available evidence is currently insufficient to determine the role of this variant in disease. Therefore, it has been classified as a Variant of Uncertain Significance.

Ambry Genetics
Classification: Uncertain significance for Inborn genetic diseases. Last evaluated: 2025-03-12. Review status: criteria provided, single submitter. Criteria: Ambry Variant Classification Scheme 2023. Collection method: clinical testing. Allele origin: germline. Not counted in ClinVar's aggregate classification.
Comment: The p.S410L variant (also known as c.1229C>T), located in coding exon 8 of the RUNX1 gene, results from a C to T substitution at nucleotide position 1229. The serine at codon 410 is replaced by leucine, an amino acid with dissimilar properties. This amino acid position is well conserved in available vertebrate species. In addition, the in silico prediction for this alteration is inconclusive. Based on the available evidence, the clinical significance of this variant remains unclear.

Baylor Genetics
Classification: Uncertain significance for Acute myeloid leukemia. Last evaluated: 2023-10-29. Review status: criteria provided, single submitter. Criteria: ACMG Guidelines, 2015. Collection method: clinical testing. Allele origin: unknown. Not counted in ClinVar's aggregate classification.

Literature cited by the submitters: PubMed 34166225 (cited by Labcorp Genetics (formerly Invitae), Labcorp).

NM_001754.5(RUNX1):c.1229C>T (p.Ser410Leu)

Gene: RUNX1 (RUNX family transcription factor 1; minus strand). Cytogenetic location: 21q22.12.
Variant type: single nucleotide variant.
Coding change: c.1229C>T on transcript NM_001754.5 (MANE Select); coding-DNA position 1229, C replaced by T.
Protein change: p.Ser410Leu; replaces serine 410 with leucine.
Molecular consequence: missense variant.
Genome position (GRCh38, 1-based): chr21:34,792,349, G>A on the plus strand (C>T on the coding strand, the complement: RUNX1 is on the minus strand). VCF-style: chr21-34792349-G-A. GRCh37 (hg19) VCF-style: chr21-36164646-G-A.
Other names: NM_001754.5(RUNX1):c.1229C>T; p.Ser410Leu; c.1148C>T, p.Ser383Leu (NM_001001890.3); short protein forms S383L, S410L.
Identifiers: ClinVar variation 961001 (VCV000961001.11), dbSNP rs1214667759, ClinGen allele CA410147728.